The following is an entry in ClinVar:

NM_005732.4(RAD50):c.1076G>A (p.Arg359His)

Gene: RAD50 (RAD50 double strand break repair protein; plus strand). Cytogenetic location: 5q31.1.
Variant type: single nucleotide variant.
Coding change: c.1076G>A on transcript NM_005732.4 (MANE Select); coding-DNA position 1076, G replaced by A.
Protein change: p.Arg359His; replaces arginine 359 with histidine.
Molecular consequence: missense variant.
Genome position (GRCh38, 1-based): chr5:132,588,711, G>A. VCF-style: chr5-132588711-G-A. GRCh37 (hg19) VCF-style: chr5-131924403-G-A.
Other names: short protein forms R359H.
Identifiers: ClinVar variation 484685 (VCV000484685.11), dbSNP rs1184353235, ClinGen allele CA360942122.
Genomic context (GRCh38, chr5:132,588,711, plus strand): 5'-GTTGAAAAAAAAATTATGAGATTTTTTTTTTAAAAGGTCGTCTACAGCTGCAAGCAGATC[G>A]CCATCAAGAACATATCCGAGCTAGAGATTCATTAATTCAGTCTTTGGCAACACAGCTAGA-3'
Protein context (NP_005723.2, residues 349-369): EQGRLQLQAD[Arg359His]HQEHIRARDS

ClinVar aggregate classification (germline): Uncertain significance. Review status: criteria provided, multiple submitters, no conflicts (2 of 4 stars). 3 submissions from 3 submitters: Uncertain significance (3). Last evaluated 2023-10-30.

Conditions:
Nijmegen breakage syndrome-like disorder (NBSLD). Also called: MICROCEPHALY AND SPONTANEOUS CHROMOSOME INSTABILITY WITHOUT IMMUNODEFICIENCY; NBS-LIKE DISORDER; RAD50 DEFICIENCY. Identifiers: Orphanet 240760, MedGen C2751318, MONDO:0013118, OMIM 613078.
Hereditary cancer-predisposing syndrome. Also called: Neoplastic Syndromes, Hereditary; Tumor predisposition; Hereditary Cancer Syndrome; Hereditary neoplastic syndrome. Identifiers: Orphanet 140162, MedGen C0027672, MeSH D009386, MONDO:0015356.

Allele frequency attached by ClinVar (database versions not stated): TOPMed below 0.00001.

Submissions (3):

Baylor Genetics
Classification: Uncertain significance for Nijmegen breakage syndrome-like disorder. Last evaluated: 2023-10-30. Review status: criteria provided, single submitter. Criteria: ACMG Guidelines, 2015. Collection method: clinical testing. Allele origin: unknown.

Labcorp Genetics (formerly Invitae), Labcorp
Classification: Uncertain significance for Hereditary cancer-predisposing syndrome. Last evaluated: 2023-03-10. Review status: criteria provided, single submitter. Criteria: Invitae Variant Classification Sherloc (09022015). Collection method: clinical testing. Allele origin: germline.
Comment: This sequence change replaces arginine, which is basic and polar, with histidine, which is basic and polar, at codon 359 of the RAD50 protein (p.Arg359His). This variant has not been reported in the literature in individuals affected with RAD50-related conditions. This variant is not present in population databases (gnomAD no frequency). In summary, the available evidence is currently insufficient to determine the role of this variant in disease. Therefore, it has been classified as a Variant of Uncertain Significance. Advanced modeling of protein sequence and biophysical properties (such as structural, functional, and spatial information, amino acid conservation, physicochemical variation, residue mobility, and thermodynamic stability) performed at Invitae indicates that this missense variant is not expected to disrupt RAD50 protein function. ClinVar contains an entry for this variant (Variation ID: 484685).

Ambry Genetics
Classification: Uncertain significance for Hereditary cancer-predisposing syndrome. Last evaluated: 2019-08-12. Review status: criteria provided, single submitter. Criteria: Ambry Variant Classification Scheme 2023. Collection method: clinical testing. Allele origin: germline.
Comment: The p.R359H variant (also known as c.1076G>A), located in coding exon 8 of the RAD50 gene, results from a G to A substitution at nucleotide position 1076. The arginine at codon 359 is replaced by histidine, an amino acid with highly similar properties. This amino acid position is well conserved in available vertebrate species. In addition, this alteration is predicted to be tolerated by in silico analysis. Since supporting evidence is limited at this time, the clinical significance of this alteration remains unclear.